The following is an entry in ClinVar:

ClinVar aggregate classification (germline): Uncertain significance. Review status: criteria provided, multiple submitters, no conflicts (2 of 4 stars). 2 submissions from 2 submitters: Uncertain significance (2). Last evaluated 2023-07-25.

Conditions:
Cataract 9 multiple types. Also called: Cataract 9, multiple types, with or without microcornea; Cataract, autosomal recessive congenital 1. Identifiers: Orphanet 1377, MedGen C1858679, MONDO:0011413, OMIM 604219.

Allele frequency attached by ClinVar (database versions not stated): 1000 Genomes Project 0.00020.

Submissions (2):

Labcorp Genetics (formerly Invitae), Labcorp
Classification: Uncertain significance for Cataract 9 multiple types. Last evaluated: 2023-07-25. Review status: criteria provided, single submitter. Criteria: Invitae Variant Classification Sherloc (09022015). Collection method: clinical testing. Allele origin: germline.
Comment: In summary, the available evidence is currently insufficient to determine the role of this variant in disease. Therefore, it has been classified as a Variant of Uncertain Significance. An algorithm developed to predict the effect of missense changes on protein structure and function (PolyPhen-2) suggests that this variant is likely to be tolerated. ClinVar contains an entry for this variant (Variation ID: 2363101). This variant has not been reported in the literature in individuals affected with CRYAA-related conditions. This variant is present in population databases (rs139794609, gnomAD 0.08%). This sequence change replaces serine, which is neutral and polar, with proline, which is neutral and non-polar, at codon 172 of the CRYAA protein (p.Ser172Pro).

Ambry Genetics
Classification: Uncertain significance. Last evaluated: 2022-11-08. Review status: criteria provided, single submitter. Criteria: Ambry Variant Classification Scheme 2023. Collection method: clinical testing. Allele origin: germline.

NM_000394.4(CRYAA):c.514T>C (p.Ser172Pro)

Gene: CRYAA (crystallin alpha A; plus strand). Cytogenetic location: 21q22.3.
Variant type: single nucleotide variant.
Coding change: c.514T>C on transcript NM_000394.4 (MANE Select); coding-DNA position 514, T replaced by C.
Protein change: p.Ser172Pro; replaces serine 172 with proline.
Molecular consequence: missense variant.
Genome position (GRCh38, 1-based): chr21:43,172,272, T>C. VCF-style: chr21-43172272-T-C. GRCh37 (hg19) VCF-style: chr21-44592382-T-C.
Other names: c.403T>C, p.Ser135Pro (NM_001363766.1); short protein forms S172P, S135P.
Identifiers: ClinVar variation 2363101 (VCV002363101.5), dbSNP rs139794609, ClinGen allele CA321171580.